The following is an entry in ClinVar:

NM_198282.4(STING1):c.345G>A (p.Pro115=)

Genes: STING1 (stimulator of interferon response cGAMP interactor 1; minus strand), LOC123522803 (Sharpr-MPRA regulatory region 11914; plus strand). Cytogenetic location: 5q31.2.
Variant type: single nucleotide variant.
Coding change: c.345G>A on transcript NM_198282.4 (MANE Select); coding-DNA position 345, G replaced by A.
Protein change: p.Pro115=; no amino-acid change (proline 115 retained).
Molecular consequence: synonymous variant. On other transcripts: 5 prime UTR variant (1).
Genome position (GRCh38, 1-based): chr5:139,481,225, C>T on the plus strand (G>A on the coding strand, the complement: STING1 is on the minus strand). VCF-style: chr5-139481225-C-T. GRCh37 (hg19) VCF-style: chr5-138860810-C-T.
Other names: c.345G>A, p.Pro115= (NM_001301738.2); c.-13G>A (NM_001367258.1).
Identifiers: ClinVar variation 1124221 (VCV001124221.22), dbSNP rs780783675, ClinGen allele CA3435436.

ClinVar aggregate classification (germline): Likely benign. Review status: criteria provided, multiple submitters, no conflicts (2 of 4 stars). 2 submissions from 2 submitters: Likely benign (2). Last evaluated 2025-11-17.

Conditions:
STING-associated vasculopathy with onset in infancy. Also called: Sting-associated vasculopathy, infantile-onset. Identifiers: Orphanet 425120, MedGen C4014722, MONDO:0014405, OMIM 615934.

Allele frequency attached by ClinVar (database versions not stated): gnomAD 0.00001; TOPMed 0.00005.
gnomAD v4.1: 51 of 1,614,040 alleles (0.0032%); highest among the groups gnomAD compares: African/African-American, 0.013%; no homozygotes.

Submissions (2):

Labcorp Genetics (formerly Invitae), Labcorp
Classification: Likely benign for STING-associated vasculopathy with onset in infancy. Last evaluated: 2025-11-17. Review status: criteria provided, single submitter. Criteria: Invitae Variant Classification Sherloc (09022015). Collection method: clinical testing. Allele origin: germline.

CeGaT Center for Human Genetics Tuebingen
Classification: Likely benign. Last evaluated: 2024-12-01. Review status: criteria provided, single submitter. Criteria: CeGaT Center For Human Genetics Tuebingen Variant Classification Criteria Version 2. Collection method: clinical testing. Allele origin: germline. Affected: yes. Observed: 1 variant allele.
Comment: STING1: BP4, BP7